The following is an entry in ClinVar:

ClinVar aggregate classification (germline): Pathogenic (1 of 4 stars; one submission).

Submission:

Labcorp Genetics (formerly Invitae), Labcorp
Classification: Pathogenic. Last evaluated: 2023-04-12. Review status: criteria provided, single submitter. Criteria: Invitae Variant Classification Sherloc (09022015). Collection method: clinical testing. Allele origin: germline.
Comment: For these reasons, this variant has been classified as Pathogenic. This variant has not been reported in the literature in individuals affected with MPLKIP-related conditions. This variant is not present in population databases (gnomAD no frequency). This sequence change creates a premature translational stop signal (p.Ser124*) in the MPLKIP gene. While this is not anticipated to result in nonsense mediated decay, it is expected to disrupt the last 56 amino acid(s) of the MPLKIP protein. This variant disrupts a region of the MPLKIP protein in which other variant(s) (p.Met144Val) have been determined to be pathogenic (PMID: 15645389). This suggests that this is a clinically significant region of the protein, and that variants that disrupt it are likely to be disease-causing.

Literature cited by the submitters: PubMed 15645389.

NM_138701.4(MPLKIP):c.371C>A (p.Ser124Ter)

Gene: MPLKIP (M-phase specific PLK1 interacting protein; minus strand). Cytogenetic location: 7p14.1.
Variant type: single nucleotide variant.
Coding change: c.371C>A on transcript NM_138701.4 (MANE Select); coding-DNA position 371, C replaced by A.
Protein change: p.Ser124Ter; replaces serine 124 with a stop codon.
Molecular consequence: nonsense.
Genome position (GRCh38, 1-based): chr7:40,133,228, G>T on the plus strand (C>A on the coding strand, the complement: MPLKIP is on the minus strand). VCF-style: chr7-40133228-G-T. GRCh37 (hg19) VCF-style: chr7-40172827-G-T.
Other names: short protein forms S124*.
Identifiers: ClinVar variation 2853984 (VCV002853984.3), dbSNP rs1191124879, ClinGen allele CA367307828.